The following is an entry in ClinVar:

NM_201253.3(CRB1):c.559G>A (p.Val187Met)

Gene: CRB1 (crumbs cell polarity complex component 1; plus strand). Cytogenetic location: 1q31.3.
Variant type: single nucleotide variant.
Coding change: c.559G>A on transcript NM_201253.3 (MANE Select); coding-DNA position 559, G replaced by A.
Protein change: p.Val187Met; replaces valine 187 with methionine.
Molecular consequence: missense variant. On other transcripts: non-coding transcript variant (2).
Genome position (GRCh38, 1-based): chr1:197,328,910, G>A. VCF-style: chr1-197328910-G-A. GRCh37 (hg19) VCF-style: chr1-197298040-G-A.
Other names: c.559G>A, p.Val187Met (NM_001193640.2, NM_001257966.2); c.352G>A, p.Val118Met (NM_001257965.2); short protein forms V187M, V118M.
Identifiers: ClinVar variation 1466657 (VCV001466657.6), dbSNP rs774621951, ClinGen allele CA1311655.

ClinVar aggregate classification (germline): Uncertain significance (1 of 4 stars; one submission).

Conditions:
Retinitis pigmentosa 12 (RP12). Also called: RP WITH OR WITHOUT PRESERVED PARAARTERIOLE RETINAL PIGMENT EPITHELIUM; RETINITIS PIGMENTOSA WITH OR WITHOUT PARAARTERIOLAR PRESERVATION OF RETINAL PIGMENT EPITHELIUM; RP WITH OR WITHOUT PPRPE. Identifiers: Orphanet 791, MedGen C1838647, MONDO:0010818, OMIM 600105.
Leber congenital amaurosis 8 (LCA8). Identifiers: Orphanet 65, MedGen C3151202, MONDO:0013453, OMIM 613835.

Allele frequency attached by ClinVar (database versions not stated): gnomAD exomes below 0.00001 and 0.00001; ExAC 0.00002.
gnomAD v4.1: 4 of 1,614,254 alleles (0.00025%); highest among the groups gnomAD compares: Non-Finnish European, 0.00034%; no homozygotes.

Submission:

Labcorp Genetics (formerly Invitae), Labcorp
Classification: Uncertain significance for Leber congenital amaurosis 8; Retinitis pigmentosa 12. Last evaluated: 2021-09-24. Review status: criteria provided, single submitter. Criteria: Invitae Variant Classification Sherloc (09022015). Collection method: clinical testing. Allele origin: germline.
Comment: This variant has not been reported in the literature in individuals affected with CRB1-related conditions. This sequence change replaces valine with methionine at codon 187 of the CRB1 protein (p.Val187Met). The valine residue is highly conserved and there is a small physicochemical difference between valine and methionine. This variant is present in population databases (rs774621951, ExAC 0.003%). Advanced modeling of protein sequence and biophysical properties (such as structural, functional, and spatial information, amino acid conservation, physicochemical variation, residue mobility, and thermodynamic stability) performed at Invitae indicates that this missense variant is not expected to disrupt CRB1 protein function. In summary, the available evidence is currently insufficient to determine the role of this variant in disease. Therefore, it has been classified as a Variant of Uncertain Significance.